The following is an entry in ClinVar:

NM_000051.4(ATM):c.142G>C (p.Asp48His)

Gene: ATM (ATM serine/threonine kinase; plus strand). Cytogenetic location: 11q22.3.
Variant type: single nucleotide variant.
Coding change: c.142G>C on transcript NM_000051.4 (MANE Select); coding-DNA position 142, G replaced by C.
Protein change: p.Asp48His; replaces aspartic acid 48 with histidine.
Molecular consequence: missense variant.
Genome position (GRCh38, 1-based): chr11:108,227,845, G>C. VCF-style: chr11-108227845-G-C. GRCh37 (hg19) VCF-style: chr11-108098572-G-C.
Other names: c.142G>C, p.Asp48His (NM_001351835.2, NM_001351836.2, NM_001351834.2); short protein forms D48H.
Identifiers: ClinVar variation 1429875 (VCV001429875.6), dbSNP rs2135013650, ClinGen allele CA382520107.
Genomic context (GRCh38, chr11:108,227,845, plus strand): 5'-GAGAAATTTAAGCGCCTGATTCGAGATCCTGAAACAATTAAACATCTAGATCGGCATTCA[G>C]ATTCCAAACAAGGAAAATATTTGAATTGGGATGCTGTTTTTAGGTATTCTATTCAAATTT-3'
Protein context (NP_000042.3, residues 38-58): ETIKHLDRHS[Asp48His]SKQGKYLNWD

ClinVar aggregate classification (germline): Uncertain significance (1 of 4 stars; one submission).

Conditions:
Ataxia-telangiectasia syndrome (AT). Also called: Ataxia telangiectasia (A-T); LOUIS-BAR SYNDROME; Cerebello-oculocutaneous telangiectasia; Immunodeficiency with ataxia telangiectasia; AT, COMPLEMENTATION GROUP C; Ataxia-telangiectasia, complementation group D. Identifiers: Orphanet 100, MedGen C0004135, MONDO:0008840, OMIM 208900.

Submission:

Labcorp Genetics (formerly Invitae), Labcorp
Classification: Uncertain significance for Ataxia-telangiectasia syndrome. Last evaluated: 2021-07-29. Review status: criteria provided, single submitter. Criteria: Invitae Variant Classification Sherloc (09022015). Collection method: clinical testing. Allele origin: germline.
Comment: In summary, the available evidence is currently insufficient to determine the role of this variant in disease. Therefore, it has been classified as a Variant of Uncertain Significance. Advanced modeling of protein sequence and biophysical properties (such as structural, functional, and spatial information, amino acid conservation, physicochemical variation, residue mobility, and thermodynamic stability) performed at Invitae indicates that this missense variant is not expected to disrupt ATM protein function. This variant has not been reported in the literature in individuals affected with ATM-related conditions. This variant is not present in population databases (ExAC no frequency). This sequence change replaces aspartic acid with histidine at codon 48 of the ATM protein (p.Asp48His). The aspartic acid residue is moderately conserved and there is a moderate physicochemical difference between aspartic acid and histidine.